The following is an entry in ClinVar:

NM_000384.3(APOB):c.599C>G (p.Ala200Gly)

Gene: APOB (apolipoprotein B; minus strand). Cytogenetic location: 2p24.1.
Variant type: single nucleotide variant.
Coding change: c.599C>G on transcript NM_000384.3 (MANE Select); coding-DNA position 599, C replaced by G.
Protein change: p.Ala200Gly; replaces alanine 200 with glycine.
Molecular consequence: missense variant.
Genome position (GRCh38, 1-based): chr2:21,037,194, G>C on the plus strand (C>G on the coding strand, the complement: APOB is on the minus strand). VCF-style: chr2-21037194-G-C. GRCh37 (hg19) VCF-style: chr2-21260066-G-C.
Other names: short protein forms A200G.
Identifiers: ClinVar variation 4789299 (VCV004789299.1).
Genomic context (GRCh38, chr2:21,037,194, plus strand): 5'-GTGCGGATGGGCTTGAAGCGATCACACTGCCCCAGGTCTCTTTCAGTGGATATTTCTGTT[G>C]CCACATTGCCCTTCCTCGTCTTGACGGTAAAGTGAGTGGAGCAGTTTCCATACACGGTAT-3'
Protein context (NP_000375.3, residues 190-210): FTVKTRKGNV[Ala200Gly]TEISTERDLG

ClinVar aggregate classification (germline): Uncertain significance (1 of 4 stars; one submission).

Conditions:
Familial hypobetalipoproteinemia 1. Also called: APOB-Related Familial Hypobetalipoproteinemia; Hypobetalipoproteinemia, normotriglyceridemic; Acanthocytosis with hypobetalipoproteinemia. Identifiers: MedGen C4551990, MONDO:0014252, OMIM 615558.
Hypercholesterolemia, autosomal dominant, type B (FHCL2). Also called: APOB-Related Familial Hypercholesterolemia, Autosomal Dominant; Familial hypercholesterolemia 2; Familial Hypercholesterolemia Type B; APOLIPOPROTEIN B-100, FAMILIAL DEFECTIVE; APOLIPOPROTEIN B-100, FAMILIAL LIGAND-DEFECTIVE; HYPERCHOLESTEROLEMIA, FAMILIAL, DUE TO LIGAND-DEFECTIVE APOLIPOPROTEIN B. Identifiers: MedGen C1704417, MONDO:0007751, OMIM 144010.

Submission:

Labcorp Genetics (formerly Invitae), Labcorp
Classification: Uncertain significance for Familial hypobetalipoproteinemia 1; Hypercholesterolemia, autosomal dominant, type B. Last evaluated: 2025-08-11. Review status: criteria provided, single submitter. Criteria: Invitae Variant Classification Sherloc (09022015). Collection method: clinical testing. Allele origin: germline.
Comment: This sequence change replaces alanine, which is neutral and non-polar, with glycine, which is neutral and non-polar, at codon 200 of the APOB protein (p.Ala200Gly). This variant is not present in population databases (gnomAD no frequency). This variant has not been reported in the literature in individuals affected with APOB-related conditions. Invitae Evidence Modeling of protein sequence and biophysical properties (such as structural, functional, and spatial information, amino acid conservation, physicochemical variation, residue mobility, and thermodynamic stability) indicates that this missense variant is not expected to disrupt APOB protein function with a negative predictive value of 95%. In summary, the available evidence is currently insufficient to determine the role of this variant in disease. Therefore, it has been classified as a Variant of Uncertain Significance.